The following is an entry in ClinVar:

ClinVar aggregate classification (germline): Likely benign (1 of 4 stars; one submission).

Conditions:
Breast-ovarian cancer, familial, susceptibility to, 4. Identifiers: Orphanet 145, MedGen C3280345, MONDO:0013669, OMIM 614291.

gnomAD v4.1: 1 of 1,611,364 alleles (0.000062%); highest among the groups gnomAD compares: Non-Finnish European, 0.000085%; no homozygotes.

Submission:

Myriad Genetics, Inc.
Classification: Likely benign for Breast-ovarian cancer, familial, susceptibility to, 4. Last evaluated: 2025-02-25. Review status: criteria provided, single submitter. Criteria: Myriad Autosomal Dominant, Autosomal Recessive and X-Linked Classification Criteria (2023). Collection method: clinical testing. Allele origin: unknown.
Comment: This variant is considered likely benign. This variant is intronic and is not expected to impact mRNA splicing.

NM_002878.4(RAD51D):c.904-15T>C

Genes: RAD51L3-RFFL (RAD51L3-RFFL readthrough; minus strand), RAD51D (RAD51 paralog D; minus strand). Cytogenetic location: 17q12.
Variant type: single nucleotide variant.
Coding change: c.904-15T>C on transcript NM_002878.4 (MANE Select); 15 bases into the intron before coding-DNA position 904, T replaced by C.
Molecular consequence: intron variant.
Genome position (GRCh38, 1-based): chr17:35,101,051, A>G on the plus strand (T>C on the coding strand, the complement: RAD51D is on the minus strand). VCF-style: chr17-35101051-A-G. GRCh37 (hg19) VCF-style: chr17-33428070-A-G.
Other names: c.568-15T>C (NM_133629.3); c.964-15T>C (NM_001142571.2).
Identifiers: ClinVar variation 3903529 (VCV003903529.1).